The following is an entry in ClinVar:

NM_001127649.3(PEX26):c.40G>A (p.Gly14Arg)

Gene: PEX26 (peroxisomal biogenesis factor 26; plus strand). Cytogenetic location: 22q11.21.
Variant type: single nucleotide variant.
Coding change: c.40G>A on transcript NM_001127649.3 (MANE Select); coding-DNA position 40, G replaced by A.
Protein change: p.Gly14Arg; replaces glycine 14 with arginine.
Molecular consequence: missense variant.
Genome position (GRCh38, 1-based): chr22:18,078,416, G>A. VCF-style: chr22-18078416-G-A. GRCh37 (hg19) VCF-style: chr22-18561182-G-A.
Other names: c.40G>A, p.Gly14Arg (NM_001199319.2, NM_017929.6); short protein forms G14R.
Identifiers: ClinVar variation 1041651 (VCV001041651.6), dbSNP rs1926389027, ClinGen allele CA410264155.
Genomic context (GRCh38, chr22:18,078,416, plus strand): 5'-GGCCTTGGACCCGGACTCGTTATGAAGAGCGATTCTTCGACCTCTGCAGCCCCCCTCAGG[G>A]GGCTCGGGGGACCCCTGCGCAGCAGCGAGCCGGTGCGCGCGGTCCCGGCCCGGGCGCCGG-3'
Protein context (NP_001121121.1, residues 4-24): DSSTSAAPLR[Gly14Arg]LGGPLRSSEP

ClinVar aggregate classification (germline): Uncertain significance (1 of 4 stars; one submission).

Conditions:
Peroxisome biogenesis disorder 7A (Zellweger). Also called: Peroxisome biogenesis disorder 7A. Identifiers: Orphanet 912, MedGen C3888385, MONDO:0013938, OMIM 614872.
Peroxisome biogenesis disorder 7B (PBD7B). Identifiers: Orphanet 44, MedGen C3553951, MONDO:0013939, OMIM 614873.

Allele frequency attached by ClinVar (database versions not stated): gnomAD exomes below 0.00001.
gnomAD v4.1: 5 of 1,593,504 alleles (0.00031%); highest among the groups gnomAD compares: Non-Finnish European, 0.00043%; no homozygotes.

Submission:

Labcorp Genetics (formerly Invitae), Labcorp
Classification: Uncertain significance for Peroxisome biogenesis disorder 7A (Zellweger); Peroxisome biogenesis disorder 7B. Last evaluated: 2022-02-23. Review status: criteria provided, single submitter. Criteria: Invitae Variant Classification Sherloc (09022015). Collection method: clinical testing. Allele origin: germline.
Comment: This sequence change replaces glycine, which is neutral and non-polar, with arginine, which is basic and polar, at codon 14 of the PEX26 protein (p.Gly14Arg). This variant is not present in population databases (gnomAD no frequency). This variant has not been reported in the literature in individuals affected with PEX26-related conditions. ClinVar contains an entry for this variant (Variation ID: 1041651). Algorithms developed to predict the effect of missense changes on protein structure and function are either unavailable or do not agree on the potential impact of this missense change (SIFT: "Deleterious"; PolyPhen-2: "Probably Damaging"; Align-GVGD: "Class C0"). In summary, the available evidence is currently insufficient to determine the role of this variant in disease. Therefore, it has been classified as a Variant of Uncertain Significance.